The following is an entry in ClinVar:

ClinVar aggregate classification (germline): Uncertain significance. Review status: criteria provided, multiple submitters, no conflicts (2 of 4 stars). 2 submissions from 2 submitters: Uncertain significance (2). Last evaluated 2024-10-24.

Allele frequency attached by ClinVar (database versions not stated): gnomAD exomes 0.00001 and 0.00004; ExAC 0.00003; gnomAD 0.00003; TOPMed 0.00005; ESP Exome Variant Server 0.00008.
gnomAD v4.1: 30 of 1,614,014 alleles (0.0019%); highest among the groups gnomAD compares: South Asian, 0.011%; no homozygotes.

Submissions (2):

Labcorp Genetics (formerly Invitae), Labcorp
Classification: Uncertain significance. Last evaluated: 2024-10-24. Review status: criteria provided, single submitter. Criteria: Invitae Variant Classification Sherloc (09022015). Collection method: clinical testing. Allele origin: germline.
Comment: This sequence change replaces arginine, which is basic and polar, with cysteine, which is neutral and slightly polar, at codon 1394 of the LAMA1 protein (p.Arg1394Cys). This variant is present in population databases (rs377516549, gnomAD 0.03%). This variant has not been reported in the literature in individuals affected with LAMA1-related conditions. ClinVar contains an entry for this variant (Variation ID: 377158). Invitae Evidence Modeling of protein sequence and biophysical properties (such as structural, functional, and spatial information, amino acid conservation, physicochemical variation, residue mobility, and thermodynamic stability) indicates that this missense variant is not expected to disrupt LAMA1 protein function with a negative predictive value of 80%. In summary, the available evidence is currently insufficient to determine the role of this variant in disease. Therefore, it has been classified as a Variant of Uncertain Significance.

Center for Pediatric Genomic Medicine, Children's Mercy Hospital and Clinics
Classification: Uncertain significance. Last evaluated: 2016-11-18. Review status: criteria provided, single submitter. Criteria: ACMG Guidelines, 2015. Collection method: clinical testing. Allele origin: germline.
ClinVar note: Converted during submission from Uncertain Significance to Uncertain significance.

NM_005559.4(LAMA1):c.4180C>T (p.Arg1394Cys)

Gene: LAMA1 (laminin subunit alpha 1; minus strand). Cytogenetic location: 18p11.31.
Variant type: single nucleotide variant.
Coding change: c.4180C>T on transcript NM_005559.4 (MANE Select); coding-DNA position 4180, C replaced by T.
Protein change: p.Arg1394Cys; replaces arginine 1394 with cysteine.
Molecular consequence: missense variant.
Genome position (GRCh38, 1-based): chr18:7,007,219, G>A on the plus strand (C>T on the coding strand, the complement: LAMA1 is on the minus strand). VCF-style: chr18-7007219-G-A. GRCh37 (hg19) VCF-style: chr18-7007218-G-A.
Other names: short protein forms R1394C.
Identifiers: ClinVar variation 377158 (VCV000377158.8), dbSNP rs377516549, ClinGen allele CA8881999.
Genomic context (GRCh38, chr18:7,007,219, plus strand): 5'-GGTCACAGGTGTCACTGTGGTTGTTGCAACTGCAGGGAACACAAGGAGCAACCAGAGGGC[G>A]TGGTCCCCTGTCACTCCCTGCTGGGAGCTTCCCTCTGTGGTACCCAGGGGCGCAGTCCTG-3'
Protein context (NP_005550.2, residues 1384-1404): KLPAGSDRGP[Arg1394Cys]PLVAPCVPCS